The following is an entry in ClinVar:

NM_004453.4(ETFDH):c.549G>A (p.Met183Ile)

Gene: ETFDH (electron transfer flavoprotein dehydrogenase; plus strand). Cytogenetic location: 4q32.1.
Variant type: single nucleotide variant.
Coding change: c.549G>A on transcript NM_004453.4 (MANE Select); coding-DNA position 549, G replaced by A.
Protein change: p.Met183Ile; replaces methionine 183 with isoleucine.
Molecular consequence: missense variant.
Genome position (GRCh38, 1-based): chr4:158,685,162, G>A. VCF-style: chr4-158685162-G-A. GRCh37 (hg19) VCF-style: chr4-159606314-G-A.
Other names: c.408G>A, p.Met136Ile (NM_001281737.2); c.366G>A, p.Met122Ile (NM_001281738.1); short protein forms M122I, M136I, M183I.
Identifiers: ClinVar variation 2671699 (VCV002671699.1), dbSNP rs2479088079, ClinGen allele CA358575492.

ClinVar aggregate classification (germline): Uncertain significance (1 of 4 stars; one submission).

Conditions:
Multiple acyl-CoA dehydrogenase deficiency (MADD). Also called: ETHYLMALONIC-ADIPICACIDURIA; GA II; Glutaric Acidemia type 2; Glutaric aciduria, type 2; Glutaric acidemia type II; GA 2. Identifiers: Orphanet 26791, MedGen C0268596, MONDO:0009282, OMIM 231680.

Submission:

Neuberg Centre For Genomic Medicine, NCGM
Classification: Uncertain significance for Multiple acyl-CoA dehydrogenase deficiency. Last evaluated: 2023-03-01. Review status: criteria provided, single submitter. Criteria: ACMG Guidelines, 2015. Collection method: clinical testing. Allele origin: germline. Inheritance: Autosomal recessive inheritance. Affected: yes.
Comment: The missense variant c.549G>A (p.Met183Ile) in the ETFDH gene has not been reported previously as a pathogenic variant nor as a benign variant, to our knowledge. This variant is novel (not in any individuals) in gnomAD Exomes and 1000 Genomes. The amino acid Methionine at position 183 is changed to an Isoleucine changing protein sequence and it might alter its composition and physico-chemical properties. The variant is predicted as damaging by SIFT. The amino acid change p.Met183Ile in ETFDH is predicted as conserved by GERP++ and PhyloP across 100 vertebrates. For these reasons, this variant has been classified as Uncertain Significance.